The following is an entry in ClinVar:

NM_001395413.1(POR):c.272C>T (p.Ala91Val)

Gene: POR (cytochrome p450 oxidoreductase; plus strand). Cytogenetic location: 7q11.23.
Variant type: single nucleotide variant.
Coding change: c.272C>T on transcript NM_001395413.1 (MANE Select); coding-DNA position 272, C replaced by T.
Protein change: p.Ala91Val; replaces alanine 91 with valine.
Molecular consequence: missense variant.
Genome position (GRCh38, 1-based): chr7:75,979,494, C>T. VCF-style: chr7-75979494-C-T. GRCh37 (hg19) VCF-style: chr7-75608812-C-T.
Other names: c.281C>T, p.Ala94Val (NM_000941.2, NM_000941.3); c.272C>T, p.Ala91Val (NM_001367562.3, NM_001382657.2, NM_001382658.3 and 2 more transcripts); c.326C>T, p.Ala109Val (NM_001382655.3); short protein forms A91V, A109V, A94V.
Identifiers: ClinVar variation 2962812 (VCV002962812.3), dbSNP rs2535366346, ClinGen allele CA367747374.

ClinVar aggregate classification (germline): Uncertain significance (1 of 4 stars; one submission).

Conditions:
Congenital adrenal hyperplasia due to cytochrome P450 oxidoreductase deficiency. Also called: DISORDERED STEROIDOGENESIS DUE TO POR DEFICIENCY. Identifiers: Orphanet 95699, MedGen C1860042, MONDO:0013310, OMIM 613571.

Submission:

Labcorp Genetics (formerly Invitae), Labcorp
Classification: Uncertain significance for Congenital adrenal hyperplasia due to cytochrome P450 oxidoreductase deficiency. Last evaluated: 2023-11-24. Review status: criteria provided, single submitter. Criteria: Invitae Variant Classification Sherloc (09022015). Collection method: clinical testing. Allele origin: germline.
Comment: This sequence change replaces alanine, which is neutral and non-polar, with valine, which is neutral and non-polar, at codon 94 of the POR protein (p.Ala94Val). This variant is not present in population databases (gnomAD no frequency). This missense change has been observed in individual(s) with clinical features of POR deficiency (Invitae). In at least one individual the data is consistent with being in trans (on the opposite chromosome) from a pathogenic variant. Advanced modeling of protein sequence and biophysical properties (such as structural, functional, and spatial information, amino acid conservation, physicochemical variation, residue mobility, and thermodynamic stability) has been performed at Invitae for this missense variant, however the output from this modeling did not meet the statistical confidence thresholds required to predict the impact of this variant on POR protein function. In summary, the available evidence is currently insufficient to determine the role of this variant in disease. Therefore, it has been classified as a Variant of Uncertain Significance.